The following is an entry in ClinVar:

NM_005228.5(EGFR):c.2391C>T (p.Cys797=)

Genes: EGFR (epidermal growth factor receptor; plus strand), EGFR-AS1 (EGFR antisense RNA 1; minus strand). Cytogenetic location: 7p11.2.
Variant type: single nucleotide variant.
Coding change: c.2391C>T on transcript NM_005228.5 (MANE Select); coding-DNA position 2391, C replaced by T.
Protein change: p.Cys797=; no amino-acid change (cysteine 797 retained).
Molecular consequence: synonymous variant. On other transcripts: non-coding transcript variant (1).
Genome position (GRCh38, 1-based): chr7:55,181,400, C>T. VCF-style: chr7-55181400-C-T. GRCh37 (hg19) VCF-style: chr7-55249093-C-T.
Other names: c.2256C>T, p.Cys752= (NM_001346897.2, NM_001346899.2); c.2391C>T, p.Cys797= (NM_001346898.2); c.2232C>T, p.Cys744= (NM_001346900.2); c.1590C>T, p.Cys530= (NM_001346941.2).
Identifiers: ClinVar variation 1126490 (VCV001126490.10), dbSNP rs1562790774, ClinGen allele CA455165202.

ClinVar aggregate classification (germline): Benign/Likely benign. Review status: criteria provided, multiple submitters, no conflicts (2 of 4 stars). 2 submissions from 2 submitters: Benign (1); Likely benign (1). Last evaluated 2024-10-16.

Conditions:
Lung cancer. Also called: Lung cancer, somatic; Malignant tumor of lung. Identifiers: MedGen C0242379, MONDO:0008903, OMIM 211980.
EGFR-related lung cancer (EGFR). Identifiers: MedGen CN130014.

Allele frequency attached by ClinVar (database versions not stated): gnomAD 0.00001.
gnomAD v4.1: 1 of 1,614,110 alleles (0.000062%); highest among the groups gnomAD compares: Non-Finnish European, 0.000085%; no homozygotes.

Submissions (2):

Myriad Genetics, Inc.
Classification: Benign for Lung cancer. Last evaluated: 2024-10-16. Review status: criteria provided, single submitter. Criteria: Myriad Autosomal Dominant, Autosomal Recessive and X-Linked Classification Criteria (2023). Collection method: clinical testing. Allele origin: unknown.
Comment: This variant is considered benign. This variant is a silent/synonymous amino acid change and it is not expected to impact splicing.

Labcorp Genetics (formerly Invitae), Labcorp
Classification: Likely benign for EGFR-related lung cancer. Last evaluated: 2020-07-30. Review status: criteria provided, single submitter. Criteria: Invitae Variant Classification Sherloc (09022015). Collection method: clinical testing. Allele origin: germline.